The following is an entry in ClinVar:

NM_001374504.1(TMPRSS6):c.2319C>T (p.Ser773=)

Gene: TMPRSS6 (transmembrane serine protease 6; minus strand). Cytogenetic location: 22q12.3.
Variant type: single nucleotide variant.
Coding change: c.2319C>T on transcript NM_001374504.1 (MANE Select); coding-DNA position 2319, C replaced by T.
Protein change: p.Ser773=; no amino-acid change (serine 773 retained).
Molecular consequence: synonymous variant.
Genome position (GRCh38, 1-based): chr22:37,066,170, G>A on the plus strand (C>T on the coding strand, the complement: TMPRSS6 is on the minus strand). VCF-style: chr22-37066170-G-A. GRCh37 (hg19) VCF-style: chr22-37462210-G-A.
Other names: p.Ser782=; c.2385C>T, p.Ser795= (NM_001289000.2); c.2319C>T, p.Ser773= (NM_001289001.2, NM_153609.4).
Identifiers: ClinVar variation 341577 (VCV000341577.15), dbSNP rs73886915, ClinGen allele CA10215245.

ClinVar aggregate classification (germline): Benign. Review status: criteria provided, multiple submitters, no conflicts (2 of 4 stars). 4 submissions from 4 submitters: Benign (4). Last evaluated 2025-12-24.

Conditions:
Microcytic anemia. Identifiers: MedGen C5194182, MONDO:0001245, HP:0001935. Disease mechanism: loss of function.

Allele frequency attached by ClinVar (database versions not stated): gnomAD exomes 0.00156 and 0.00431; ExAC 0.00526; 1000 Genomes Project 0.01538; 1000 Genomes Project 30x 0.01624; gnomAD 0.01666 and 0.01805; TOPMed 0.01886; ESP Exome Variant Server 0.01999.
gnomAD v4.1: 4,936 of 1,613,132 alleles (0.31%); highest among the groups gnomAD compares: African/African-American, 5.7%; 114 homozygotes.

Submissions (4):

Labcorp Genetics (formerly Invitae), Labcorp
Classification: Benign. Last evaluated: 2025-12-24. Review status: criteria provided, single submitter. Criteria: Invitae Variant Classification Sherloc (09022015). Collection method: clinical testing. Allele origin: germline.

Mayo Clinic Laboratories, Mayo Clinic
Classification: Benign. Last evaluated: 2023-05-07. Review status: criteria provided, single submitter. Criteria: ACMG Guidelines, 2015. Collection method: clinical testing. Allele origin: germline. Observed: 19 variant alleles.

Illumina Laboratory Services, Illumina
Classification: Benign for Iron-refractory iron deficiency anemia. Last evaluated: 2018-01-13. Review status: criteria provided, single submitter. Criteria: ICSL Variant Classification Criteria 13 December 2019. Collection method: clinical testing. Allele origin: germline.
Comment: This variant was observed in the ICSL laboratory as part of a predisposition screen in an ostensibly healthy population. It had not been previously curated by ICSL or reported in the Human Gene Mutation Database (HGMD: prior to June 1st, 2018), and was therefore a candidate for classification through an automated scoring system. Utilizing variant allele frequency, disease prevalence and penetrance estimates, and inheritance mode, an automated score was calculated to assess if this variant is too frequent to cause the disease. Based on the score and internal cut-off values, a variant classified as benign is not then subjected to further curation. The score for this variant resulted in a classification of benign for this disease.

Breakthrough Genomics
Classification: Benign. Review status: criteria provided, single submitter. Criteria: ACMG Guidelines, 2015. Collection method: not provided. Allele origin: germline. Inheritance: Autosomal recessive inheritance. Affected: yes.